The following is an entry in ClinVar:

ClinVar aggregate classification (germline): Conflicting classifications of pathogenicity. Review status: criteria provided, conflicting classifications (1 of 4 stars). 2 submissions from 2 submitters: Uncertain significance (1); Likely benign (1). Last evaluated 2025-02-17.

Conditions:
Severe combined immunodeficiency due to IKK2 deficiency. Also called: Immunodeficiency 15; IMMUNODEFICIENCY 15B. Identifiers: Orphanet 397787, MedGen C4747743, MONDO:0014267, OMIM 615592.

Allele frequency attached by ClinVar (database versions not stated): TOPMed below 0.00001; gnomAD 0.00001; gnomAD exomes 0.00001.

Submissions (2):

Women's Health and Genetics/Laboratory Corporation of America, LabCorp
Classification: Uncertain significance. Last evaluated: 2025-02-17. Review status: criteria provided, single submitter. Criteria: LabCorp Variant Classification Summary - May 2015. Collection method: clinical testing. Allele origin: germline.
Comment: Variant summary: IKBKB c.105+8C>T alters a non-conserved nucleotide located close to a canonical splice site and therefore could affect mRNA splicing, leading to a significantly altered protein sequence. Consensus agreement among computation tools predict no significant impact on normal splicing. However, these predictions have yet to be confirmed by functional studies. The variant allele was found at a frequency of 8e-06 in 251276 control chromosomes (gnomAD). The available data on variant occurrences in the general population are insufficient to allow any conclusion about variant significance. To our knowledge, no occurrence of c.105+8C>T in individuals affected with Immunodeficiency 15 and no experimental evidence demonstrating its impact on protein function have been reported. ClinVar contains an entry for this variant (Variation ID: 1938026). Based on the evidence outlined above, the variant was classified as uncertain significance.

Labcorp Genetics (formerly Invitae), Labcorp
Classification: Likely benign for Severe combined immunodeficiency due to IKK2 deficiency. Last evaluated: 2023-12-26. Review status: criteria provided, single submitter. Criteria: Invitae Variant Classification Sherloc (09022015). Collection method: clinical testing. Allele origin: germline.

NM_001556.3(IKBKB):c.105+8C>T

Gene: IKBKB (inhibitor of nuclear factor kappa B kinase subunit beta; plus strand). Cytogenetic location: 8p11.21.
Variant type: single nucleotide variant.
Coding change: c.105+8C>T on transcript NM_001556.3 (MANE Select); 8 bases into the intron after coding-DNA position 105, C replaced by T.
Molecular consequence: intron variant.
Genome position (GRCh38, 1-based): chr8:42,272,213, C>T. VCF-style: chr8-42272213-C-T. GRCh37 (hg19) VCF-style: chr8-42129731-C-T.
Other names: c.23+8C>T (NM_001242778.2); c.-88+744C>T (NM_001190720.3).
Identifiers: ClinVar variation 1938026 (VCV001938026.6), dbSNP rs200992566, ClinGen allele CA175977237.